The following is an entry in ClinVar:

NM_001009999.3(KDM1A):c.1524C>A (p.His508Gln)

Gene: KDM1A (lysine demethylase 1A; plus strand). Cytogenetic location: 1p36.12.
Variant type: single nucleotide variant.
Coding change: c.1524C>A on transcript NM_001009999.3 (MANE Select); coding-DNA position 1524, C replaced by A.
Protein change: p.His508Gln; replaces histidine 508 with glutamine.
Molecular consequence: missense variant.
Genome position (GRCh38, 1-based): chr1:23,071,335, C>A. VCF-style: chr1-23071335-C-A. GRCh37 (hg19) VCF-style: chr1-23397828-C-A.
Other names: c.1452C>A, p.His484Gln (NM_001363654.2, NM_001410763.1, NM_015013.4); c.1512C>A, p.His504Gln (NM_001410762.1); short protein forms H504Q, H484Q, H508Q.
Identifiers: ClinVar variation 3532960 (VCV003532960.1).

ClinVar aggregate classification (germline): Uncertain significance (1 of 4 stars; one submission).

Conditions:
Inborn genetic diseases. Identifiers: MedGen C0950123, MeSH D030342.

gnomAD v4.1: 1 of 1,612,644 alleles (0.000062%); highest among the groups gnomAD compares: Non-Finnish European, 0.000085%; no homozygotes.

Submission:

Ambry Genetics
Classification: Uncertain significance for Inborn genetic diseases. Last evaluated: 2024-12-02. Review status: criteria provided, single submitter. Criteria: Ambry Variant Classification Scheme 2023. Collection method: clinical testing. Allele origin: germline.
Comment: The p.H508Q variant (also known as c.1524C>A), located in coding exon 13 of the KDM1A gene, results from a C to A substitution at nucleotide position 1524. The histidine at codon 508 is replaced by glutamine, an amino acid with highly similar properties. This amino acid position is conserved. In addition, this alteration is predicted to be tolerated by in silico analysis. Based on the available evidence, the clinical significance of this variant remains unclear.